The following is an entry in ClinVar:

ClinVar aggregate classification (germline): Uncertain significance (1 of 4 stars; one submission).

gnomAD v4.1: 2 of 1,613,694 alleles (0.00012%); highest among the groups gnomAD compares: African/African-American, 0.0027%; no homozygotes.

Submission:

GeneDx
Classification: Uncertain significance. Last evaluated: 2025-02-23. Review status: criteria provided, single submitter. Criteria: GeneDx Variant Classification Process June 2021. Collection method: clinical testing. Allele origin: germline. Affected: yes.
Comment: Not observed at significant frequency in large population cohorts (gnomAD); In silico analysis indicates that this missense variant does not alter protein structure/function; Has not been previously published as pathogenic or benign to our knowledge

NM_006245.4(PPP2R5D):c.137C>T (p.Pro46Leu)

Gene: PPP2R5D (protein phosphatase 2 regulatory subunit B'delta; plus strand). Cytogenetic location: 6p21.1.
Variant type: single nucleotide variant.
Coding change: c.137C>T on transcript NM_006245.4 (MANE Select); coding-DNA position 137, C replaced by T.
Protein change: p.Pro46Leu; replaces proline 46 with leucine.
Molecular consequence: missense variant. On other transcripts: 5 prime UTR variant (1), intron variant (1).
Genome position (GRCh38, 1-based): chr6:43,006,494, C>T. VCF-style: chr6-43006494-C-T. GRCh37 (hg19) VCF-style: chr6-42974232-C-T.
Other names: c.-317C>T (NM_001270476.2); c.137C>T, p.Pro46Leu (NM_180976.3); c.28-440C>T (NM_180977.3); short protein forms P46L.
Identifiers: ClinVar variation 4076788 (VCV004076788.1).